The following is an entry in ClinVar:

ClinVar aggregate classification (germline): Pathogenic (1 of 4 stars; one submission).

Conditions:
Marfan syndrome (MFS). Also called: MARFAN SYNDROME, TYPE I; Marfan syndrome type 1; Marfan's syndrome; Marfan syndrome, classic; FBN1-Related Marfan Syndrome. Identifiers: Orphanet 284963, Orphanet 558, MedGen C0024796, MONDO:0007947, OMIM 154700.
Familial thoracic aortic aneurysm and aortic dissection (TAAD). Also called: Thoracic aortic aneurysms and dissections. Identifiers: Orphanet 91387, MedGen C4707243, MONDO:0019625.

Submission:

Labcorp Genetics (formerly Invitae), Labcorp
Classification: Pathogenic for Marfan syndrome; Familial thoracic aortic aneurysm and aortic dissection. Last evaluated: 2024-03-01. Review status: criteria provided, single submitter. Criteria: Invitae Variant Classification Sherloc (09022015). Collection method: clinical testing. Allele origin: germline.
Comment: This sequence change replaces cysteine, which is neutral and slightly polar, with tyrosine, which is neutral and polar, at codon 1895 of the FBN1 protein (p.Cys1895Tyr). This variant is not present in population databases (gnomAD no frequency). This missense change has been observed in individual(s) with Marfan syndrome (PMID: 19293843, 25304743). In at least one individual the variant was observed to be de novo. Advanced modeling of protein sequence and biophysical properties (such as structural, functional, and spatial information, amino acid conservation, physicochemical variation, residue mobility, and thermodynamic stability) performed at Invitae indicates that this missense variant is expected to disrupt FBN1 protein function with a positive predictive value of 95%. This variant affects a cysteine residue in the EGF-like, TGFBP or hybrid motif domains of FBN1. Cysteine residues are believed to be involved in intramolecular disulfide bridges and have been shown to be important for FBN1 protein structure (PMID: 16905551, 19349279). In addition, missense substitutions affecting cysteine residues within these domains are significantly overrepresented among patients with Marfan syndrome (PMID: 16571647, 17701892). This variant disrupts the p.Cys1895 amino acid residue in FBN1. Other variant(s) that disrupt this residue have been observed in individuals with FBN1-related conditions (PMID: 11059536, 16222657, 29357934), which suggests that this may be a clinically significant amino acid residue. For these reasons, this variant has been classified as Pathogenic.

Literature cited by the submitters: PubMed 19293843; PubMed 25304743; PubMed 16905551; PubMed 19349279; PubMed 16571647; PubMed 17701892; PubMed 11059536; PubMed 16222657; PubMed 29357934.

NM_000138.5(FBN1):c.5684G>A (p.Cys1895Tyr)

Gene: FBN1 (fibrillin 1; minus strand). Cytogenetic location: 15q21.1.
Variant type: single nucleotide variant.
Coding change: c.5684G>A on transcript NM_000138.5 (MANE Select); coding-DNA position 5684, G replaced by A.
Protein change: p.Cys1895Tyr; replaces cysteine 1895 with tyrosine.
Molecular consequence: missense variant.
Genome position (GRCh38, 1-based): chr15:48,446,810, C>T on the plus strand (G>A on the coding strand, the complement: FBN1 is on the minus strand). VCF-style: chr15-48446810-C-T. GRCh37 (hg19) VCF-style: chr15-48739007-C-T.
Other names: c.5684G>A, p.Cys1895Tyr (NM_001406716.1); short protein forms C1895Y.
Identifiers: ClinVar variation 2925543 (VCV002925543.3), dbSNP rs2505458840, ClinGen allele CA392341432.